The following is an entry in ClinVar:

NM_000760.4(CSF3R):c.973C>G (p.Leu325Val)

Gene: CSF3R (colony stimulating factor 3 receptor; minus strand). Cytogenetic location: 1p34.3.
Variant type: single nucleotide variant.
Coding change: c.973C>G on transcript NM_000760.4 (MANE Select); coding-DNA position 973, C replaced by G.
Protein change: p.Leu325Val; replaces leucine 325 with valine.
Molecular consequence: missense variant.
Genome position (GRCh38, 1-based): chr1:36,472,262, G>C on the plus strand (C>G on the coding strand, the complement: CSF3R is on the minus strand). VCF-style: chr1-36472262-G-C. GRCh37 (hg19) VCF-style: chr1-36937863-G-C.
Other names: c.973C>G, p.Leu325Val (NM_156039.3, NM_172313.3); short protein forms L325V.
Identifiers: ClinVar variation 966698 (VCV000966698.8), dbSNP rs559114400, ClinGen allele CA769332.
Genomic context (GRCh38, chr1:36,472,262, plus strand): 5'-CTGTTGGCTGCTCCCAGCCTCTCATCACCTCCTTACCCCGTTCGGTAGTTCTCAGCTCCA[G>C]GCTGGGGCTCCAGTCGCTCCAGTGGCCAGGCAGGGGCCAGCGGATGCAGCGTATCTGCAG-3'
Protein context (NP_000751.1, residues 315-335): PGHWSDWSPS[Leu325Val]ELRTTERAPT

ClinVar aggregate classification (germline): Uncertain significance. Review status: criteria provided, multiple submitters, no conflicts (2 of 4 stars). 2 submissions from 2 submitters: Uncertain significance (2). Last evaluated 2025-11-08.

Conditions:
CSF3R-related disorder. Also called: CSF3R-related condition.
Autosomal recessive severe congenital neutropenia due to CSF3R deficiency. Also called: Neutropenia, severe congenital, 7, autosomal recessive. Identifiers: Orphanet 420702, MedGen C4310764, MONDO:0014865, OMIM 617014.

Allele frequency attached by ClinVar (database versions not stated): gnomAD exomes below 0.00001; ExAC 0.00001; gnomAD 0.00001; TOPMed 0.00001; 1000 Genomes Project 0.00020; 1000 Genomes Project 30x 0.00031.

Submissions (2):

Labcorp Genetics (formerly Invitae), Labcorp
Classification: Uncertain significance for Autosomal recessive severe congenital neutropenia due to CSF3R deficiency. Last evaluated: 2025-11-08. Review status: criteria provided, single submitter. Criteria: Invitae Variant Classification Sherloc (09022015). Collection method: clinical testing. Allele origin: germline.
Comment: This sequence change replaces leucine, which is neutral and non-polar, with valine, which is neutral and non-polar, at codon 325 of the CSF3R protein (p.Leu325Val). This variant is not present in population databases (gnomAD no frequency). This variant has not been reported in the literature in individuals affected with CSF3R-related conditions. ClinVar contains an entry for this variant (Variation ID: 966698). Invitae Evidence Modeling of protein sequence and biophysical properties (such as structural, functional, and spatial information, amino acid conservation, physicochemical variation, residue mobility, and thermodynamic stability) indicates that this missense variant is not expected to disrupt CSF3R protein function with a negative predictive value of 80%. In summary, the available evidence is currently insufficient to determine the role of this variant in disease. Therefore, it has been classified as a Variant of Uncertain Significance.

PreventionGenetics, part of Exact Sciences
Classification: Uncertain significance for CSF3R-related condition. Last evaluated: 2023-02-22. Review status: criteria provided, single submitter. Criteria: ACMG Guidelines, 2015. Collection method: clinical testing. Allele origin: germline.
Comment: The CSF3R c.973C>G variant is predicted to result in the amino acid substitution p.Leu325Val. To our knowledge, this variant has not been reported in the literature. This variant is reported in 0.0029% of alleles in individuals of Latino descent in gnomAD. At this time, the clinical significance of this variant is uncertain due to the absence of conclusive functional and genetic evidence.